The following is an entry in ClinVar:

ClinVar aggregate classification (germline): Pathogenic. Review status: criteria provided, multiple submitters, no conflicts (2 of 4 stars). 5 submissions from 5 submitters: Pathogenic (2). 3 of the submissions do not count toward it. Last evaluated 2025-06-25.

Conditions:
UGDH-related disorder. Also called: UGDH-related condition.
Developmental and epileptic encephalopathy, 84. Also called: EPILEPTIC ENCEPHALOPATHY, EARLY IFANTILE, 84. Identifiers: MedGen C5394081, MONDO:0032918, OMIM 618792.
Epileptic encephalopathy. Identifiers: MedGen C0543888, HP:0200134.

Allele frequency attached by ClinVar (database versions not stated): ExAC 0.00010; gnomAD exomes 0.00007 and 0.00022; gnomAD 0.00012 and 0.00011; TOPMed 0.00009.
gnomAD v4.1: 323 of 1,583,432 alleles (0.02%); highest among the groups gnomAD compares: Non-Finnish European, 0.027%; no homozygotes.

Submissions (5):

Greenwood Genetic Center Diagnostic Laboratories, Greenwood Genetic Center
Classification: Pathogenic for Developmental and epileptic encephalopathy, 84. Last evaluated: 2025-06-25. Review status: criteria provided, single submitter. Criteria: ACMG Guidelines, 2015. Collection method: clinical testing. Allele origin: germline. Affected: yes.
Comment: PVS1, PS3_Moderate, PM2, PM3

Victorian Clinical Genetics Services, Murdoch Childrens Research Institute
Classification: Pathogenic for Developmental and epileptic encephalopathy, 84. Last evaluated: 2024-10-08. Review status: criteria provided, single submitter. Criteria: ACMG Guidelines, 2015. Collection method: clinical testing. Allele origin: germline. Inheritance: Autosomal recessive inheritance. Affected: yes.
Comment: Based on the classification scheme VCGS_Germline_v1.3.4, this variant is classified as Pathogenic. Following criteria are met: 0102 - Loss of function is a known mechanism of disease in this gene and is associated with developmental and epileptic encephalopathy 84 (MIM#618792). (I) 0106 - This gene is associated with autosomal recessive disease. (I) 0201 - Variant is predicted to cause nonsense-mediated decay (NMD) and loss of protein (premature termination codon is located at least 54 nucleotides upstream of the final exon-exon junction). (SP) 0251 - This variant is heterozygous. (I) 0304 - Variant is present in gnomAD (v2) <0.01 for a recessive condition (18 heterozygotes, 0 homozygotes). (SP) 0703 - Two other NMD-predicted variants comparable to the one identified in this case have moderate previous evidence for pathogenicity (ClinVar, PMID: 32001716). (SP) 0803 - This variant has limited previous evidence of pathogenicity in two unrelated individuals with developmental epileptic encephalopathy (PMID: 32001716). (SP) 0905 - No published segregation evidence has been identified for this variant. (I) 1002 - This variant has moderate functional evidence supporting abnormal protein function. Patient derived fibroblast cells with p.R65*/p.Y367C showed dramatically reduced endogenous protein level. Cerebral organoid developed in vitro with the same genotype showed smaller and rougher edges compared to WT (PMID: 32001716). (I) Legend: (SP) - Supporting pathogenic, (I) - Information, (SB) - Supporting benign

PreventionGenetics, part of Exact Sciences
Classification: Likely pathogenic for UGDH-related condition. Last evaluated: 2024-07-12. Review status: no assertion criteria provided. Collection method: clinical testing. Allele origin: germline. Not counted in ClinVar's aggregate classification.
Comment: The UGDH c.193C>T variant is predicted to result in premature protein termination (p.Arg65*). This variant was reported in an individual with developmental epileptic encephalopathy (Hengel et al 2020. PubMed ID: 32001716). This variant is reported in 0.013% of alleles in individuals of European (Non-Finnish) descent in gnomAD. Nonsense variants in UGDH are expected to be pathogenic. This variant is interpreted as likely pathogenic.

OMIM
Classification: Pathogenic for DEVELOPMENTAL AND EPILEPTIC ENCEPHALOPATHY 84. Last evaluated: 2020-10-07. Review status: no assertion criteria provided. Collection method: literature only. Allele origin: germline. Not counted in ClinVar's aggregate classification.

Section for Clinical Neurogenetics, University of Tübingen
Classification: Likely pathogenic for Epileptic Encephalopathy. Last evaluated: 2019-10-01. Review status: no assertion criteria provided. Collection method: research. Allele origin: germline. Affected: yes. Not counted in ClinVar's aggregate classification.

Literature cited by the submitters: PubMed 32001716 (cited by 3 submitters).

NM_003359.4(UGDH):c.193C>T (p.Arg65Ter)

Gene: UGDH (UDP-glucose 6-dehydrogenase; minus strand). Cytogenetic location: 4p14.
Variant type: single nucleotide variant.
Coding change: c.193C>T on transcript NM_003359.4 (MANE Select); coding-DNA position 193, C replaced by T.
Protein change: p.Arg65Ter; replaces arginine 65 with a stop codon.
Molecular consequence: nonsense. On other transcripts: 5 prime UTR variant (1).
Genome position (GRCh38, 1-based): chr4:39,514,154, G>A on the plus strand (C>T on the coding strand, the complement: UGDH is on the minus strand). VCF-style: chr4-39514154-G-A. GRCh37 (hg19) VCF-style: chr4-39515774-G-A.
Other names: c.193C>T, p.Arg65Ter (NM_001184700.2); c.-99C>T (NM_001184701.2); short protein forms R65*.
Identifiers: ClinVar variation 810658 (VCV000810658.8), dbSNP rs200059198, ClinGen allele CA2895209.